The following is an entry in ClinVar:

ClinVar aggregate classification (germline): Uncertain significance. Review status: criteria provided, multiple submitters, no conflicts (2 of 4 stars). 2 submissions from 2 submitters: Uncertain significance (2). Last evaluated 2026-02-09.

Conditions:
Hereditary nonpolyposis colorectal neoplasms. Identifiers: MedGen C0009405, MeSH D003123.
Hereditary cancer-predisposing syndrome. Also called: Hereditary neoplastic syndrome; Tumor predisposition; Neoplastic Syndromes, Hereditary; Hereditary Cancer Syndrome. Identifiers: Orphanet 140162, MedGen C0027672, MeSH D009386, MONDO:0015356.

Submissions (2):

Ambry Genetics
Classification: Uncertain significance for Hereditary cancer-predisposing syndrome. Last evaluated: 2026-02-09. Review status: criteria provided, single submitter. Criteria: Ambry Variant Classification Scheme 2023. Collection method: clinical testing. Allele origin: germline.
Comment: The c.856_861delGACAGA variant (also known as p.D286_R287del) is located in coding exon 8 of the PMS2 gene. This variant results from an in-frame GACAGA deletion at nucleotide positions 856 to 861. This results in the in-frame deletion of 2 residues (DR) at codons 286 to 287. This amino acid region is well conserved in available vertebrate species. In addition, this variant is predicted to be deleterious by in silico analysis (Choi Y et al. PLoS ONE. 2012; 7(10):e46688). Based on the available evidence, the clinical significance of this variant remains unclear.

Labcorp Genetics (formerly Invitae), Labcorp
Classification: Uncertain significance for Hereditary nonpolyposis colorectal neoplasms. Last evaluated: 2024-02-27. Review status: criteria provided, single submitter. Criteria: Invitae Variant Classification Sherloc (09022015). Collection method: clinical testing. Allele origin: germline.
Comment: This variant, c.856_861del, results in the deletion of 2 amino acid(s) of the PMS2 protein (p.Asp286_Arg287del), but otherwise preserves the integrity of the reading frame. This variant is not present in population databases (gnomAD no frequency). This variant has not been reported in the literature in individuals affected with PMS2-related conditions. ClinVar contains an entry for this variant (Variation ID: 1386911). Experimental studies and prediction algorithms are not available or were not evaluated, and the functional significance of this variant is currently unknown. In summary, the available evidence is currently insufficient to determine the role of this variant in disease. Therefore, it has been classified as a Variant of Uncertain Significance.

NM_000535.7(PMS2):c.856_861del (p.Asp286_Arg287del)

Gene: PMS2 (PMS1 homolog 2, mismatch repair system component; minus strand). Cytogenetic location: 7p22.1.
Variant type: Deletion.
Coding change: c.856_861del on transcript NM_000535.7 (MANE Select); coding-DNA positions 856 to 861, 6 bases deleted (GACAGA; older notation c.856_861delGACAGA).
Protein change: p.Asp286_Arg287del.
Molecular consequence: inframe deletion. On other transcripts: 5 prime UTR variant (2), non-coding transcript variant (1).
Genome position (GRCh38, 1-based): chr7:5,995,576-5,995,581, TCTGTC deleted on the plus strand (GACAGA on the coding strand, the reverse complement: PMS2 is on the minus strand); deleting any 6 consecutive bases within chr7:5,995,576-5,995,582 gives the same sequence; the c. name uses the placement nearest the transcript's 3' end. VCF-style (leftmost placement, unchanged base first): chr7-5995575-GTCTGTC-G. GRCh37 (hg19) VCF-style: chr7-6035206-GTCTGTC-G.
Other names: c.856_861delGACAGA (NM_000535.5); c.451_456del, p.Asp151_Arg152del (NM_001322003.2, NM_001322004.2, NM_001322005.2 and 2 more transcripts); c.856_861del, p.Asp286_Arg287del (NM_001322006.2, NM_001322014.2); c.538_543del, p.Asp180_Arg181del (NM_001322007.2, NM_001322008.2); c.-78_-73del (NM_001322011.2, NM_001322012.2); c.283_288del, p.Asp95_Arg96del (NM_001322013.2); c.547_552del, p.Asp183_Arg184del (NM_001322015.2).
Identifiers: ClinVar variation 1386911 (VCV001386911.7), dbSNP rs2128775321, ClinGen allele CA2573141994.